The following is an entry in ClinVar:

NM_001005242.3(PKP2):c.1772G>T (p.Arg591Leu)

Gene: PKP2 (plakophilin 2; minus strand). Cytogenetic location: 12p11.21.
Variant type: single nucleotide variant.
Coding change: c.1772G>T on transcript NM_001005242.3 (MANE Select); coding-DNA position 1772, G replaced by T.
Protein change: p.Arg591Leu; replaces arginine 591 with leucine.
Molecular consequence: missense variant. On other transcripts: intron variant (1).
Genome position (GRCh38, 1-based): chr12:32,822,534, C>A on the plus strand (G>T on the coding strand, the complement: PKP2 is on the minus strand). VCF-style: chr12-32822534-C-A. GRCh37 (hg19) VCF-style: chr12-32975468-C-A.
Other names: c.1772G>T, p.Arg591Leu (NM_001407155.1, NM_001407161.1); c.1904G>T, p.Arg635Leu (NM_001407157.1, NM_004572.4); c.1445G>T, p.Arg482Leu (NM_001407158.1, NM_001407159.1, NM_001407160.1 and 1 more transcripts); c.1675-1005G>T (NM_001407156.1); short protein forms R482L, R591L, R635L.
Identifiers: ClinVar variation 2505574 (VCV002505574.1), dbSNP rs755076586, ClinGen allele CA384363028.

ClinVar aggregate classification (germline): Uncertain significance (1 of 4 stars; one submission).

Conditions:
Arrhythmogenic right ventricular dysplasia 9 (ARVD9). Also called: Arrhythmogenic Right Ventricular Dysplasia/Cardiomyopathy 9; ARRHYTHMOGENIC RIGHT VENTRICULAR DYSPLASIA, FAMILIAL, 9. Identifiers: MedGen C1836906, MONDO:0012180, OMIM 609040.

Submission:

Dr. med. U. Finckh, Human Genetics, Eurofins MVZ
Classification: Uncertain significance for Arrhythmogenic right ventricular dysplasia 9. Review status: criteria provided, single submitter. Criteria: ACMG Guidelines, 2015. Collection method: clinical testing. Allele origin: unknown.
Comment: Another missense change of this codon has been implicated in a family with Brugada Syndrome (PMID: 24352520).